The following is an entry in ClinVar:

NM_000719.7(CACNA1C):c.2992C>T (p.Arg998Ter)

Gene: CACNA1C (calcium voltage-gated channel subunit alpha1 C; plus strand). Cytogenetic location: 12p13.33.
Variant type: single nucleotide variant.
Coding change: c.2992C>T on transcript NM_000719.7 (MANE Select); coding-DNA position 2992, C replaced by T.
Protein change: p.Arg998Ter; replaces arginine 998 with a stop codon.
Molecular consequence: nonsense.
Genome position (GRCh38, 1-based): chr12:2,605,112, C>T. VCF-style: chr12-2605112-C-T. GRCh37 (hg19) VCF-style: chr12-2714278-C-T.
Other names: c.3052C>T, p.Arg1018Ter (NM_001129827.2, NM_001129832.2, NM_199460.4); c.2992C>T, p.Arg998Ter (NM_001129829.2, NM_001129830.3, NM_001129831.2 and 15 more transcripts); c.2983C>T, p.Arg995Ter (NM_001129844.2); short protein forms R1018*, R995*, R998*.
Identifiers: ClinVar variation 3573697 (VCV003573697.2).

ClinVar aggregate classification (germline): Pathogenic (1 of 4 stars; one submission).

Submission:

GeneDx
Classification: Pathogenic. Last evaluated: 2025-09-18. Review status: criteria provided, single submitter. Criteria: GeneDx Variant Classification Process June 2021. Collection method: clinical testing. Allele origin: germline.
Comment: Nonsense variant predicted to result in protein truncation or nonsense mediated decay in a gene for which loss of function is a known mechanism of disease; Not observed at significant frequency in large population cohorts (gnomAD); Has not been previously published as pathogenic or benign to our knowledge